The following is an entry in ClinVar:

NM_001376.5(DYNC1H1):c.6611T>C (p.Val2204Ala)

Gene: DYNC1H1 (dynein cytoplasmic 1 heavy chain 1; plus strand). Cytogenetic location: 14q32.31.
Variant type: single nucleotide variant.
Coding change: c.6611T>C on transcript NM_001376.5 (MANE Select); coding-DNA position 6611, T replaced by C.
Protein change: p.Val2204Ala; replaces valine 2204 with alanine.
Molecular consequence: missense variant.
Genome position (GRCh38, 1-based): chr14:102,010,945, T>C. VCF-style: chr14-102010945-T-C. GRCh37 (hg19) VCF-style: chr14-102477282-T-C.
Other names: short protein forms V2204A.
Identifiers: ClinVar variation 2756319 (VCV002756319.3), dbSNP rs2503753965, ClinGen allele CA391056264.

ClinVar aggregate classification (germline): Uncertain significance (1 of 4 stars; one submission).

Conditions:
Charcot-Marie-Tooth disease axonal type 2O. Also called: Charcot-Marie-Tooth disease, axonal, type 20; CHARCOT-MARIE-TOOTH NEUROPATHY, AXONAL, TYPE 2O; CHARCOT-MARIE-TOOTH DISEASE, AXONAL, AUTOSOMAL DOMINANT, TYPE 2O; Charcot-Marie-Tooth Neuropathy Type 2O. Identifiers: Orphanet 284232, MedGen C3280220, MONDO:0013644, OMIM 614228.

Submission:

Labcorp Genetics (formerly Invitae), Labcorp
Classification: Uncertain significance for Charcot-Marie-Tooth disease axonal type 2O. Last evaluated: 2023-08-29. Review status: criteria provided, single submitter. Criteria: Invitae Variant Classification Sherloc (09022015). Collection method: clinical testing. Allele origin: germline.
Comment: This sequence change replaces valine, which is neutral and non-polar, with alanine, which is neutral and non-polar, at codon 2204 of the DYNC1H1 protein (p.Val2204Ala). This variant is not present in population databases (gnomAD no frequency). This variant has not been reported in the literature in individuals affected with DYNC1H1-related conditions. Advanced modeling of protein sequence and biophysical properties (such as structural, functional, and spatial information, amino acid conservation, physicochemical variation, residue mobility, and thermodynamic stability) performed at Invitae indicates that this missense variant is not expected to disrupt DYNC1H1 protein function. In summary, the available evidence is currently insufficient to determine the role of this variant in disease. Therefore, it has been classified as a Variant of Uncertain Significance.